The following is an entry in ClinVar:

ClinVar aggregate classification (germline): Uncertain significance (1 of 4 stars; one submission).

Conditions:
Predisposition to invasive fungal disease due to CARD9 deficiency (IMD103). Also called: Candidiasis, familial, 2, autosomal recessive; IMMUNODEFICIENCY 103, SUSCEPTIBILITY TO FUNGAL INFECTIONS; CARD9 IMMUNODEFICIENCY. Identifiers: Orphanet 457088, MedGen C1859353, MONDO:0008905, OMIM 212050.

Allele frequency attached by ClinVar (database versions not stated): gnomAD exomes below 0.00001.

Submission:

Labcorp Genetics (formerly Invitae), Labcorp
Classification: Uncertain significance for Predisposition to invasive fungal disease due to CARD9 deficiency. Last evaluated: 2022-06-10. Review status: criteria provided, single submitter. Criteria: Invitae Variant Classification Sherloc (09022015). Collection method: clinical testing. Allele origin: germline.
Comment: In summary, the available evidence is currently insufficient to determine the role of this variant in disease. Therefore, it has been classified as a Variant of Uncertain Significance. Algorithms developed to predict the effect of missense changes on protein structure and function (SIFT, PolyPhen-2, Align-GVGD) all suggest that this variant is likely to be disruptive. This variant has not been reported in the literature in individuals affected with CARD9-related conditions. This variant is not present in population databases (gnomAD no frequency). This sequence change replaces proline, which is neutral and non-polar, with leucine, which is neutral and non-polar, at codon 27 of the CARD9 protein (p.Pro27Leu).

NM_052813.5(CARD9):c.80C>T (p.Pro27Leu)

Gene: CARD9 (caspase recruitment domain family member 9; minus strand). Cytogenetic location: 9q34.3.
Variant type: single nucleotide variant.
Coding change: c.80C>T on transcript NM_052813.5 (MANE Select); coding-DNA position 80, C replaced by T.
Protein change: p.Pro27Leu; replaces proline 27 with leucine.
Molecular consequence: missense variant.
Genome position (GRCh38, 1-based): chr9:136,371,999, G>A on the plus strand (C>T on the coding strand, the complement: CARD9 is on the minus strand). VCF-style: chr9-136371999-G-A. GRCh37 (hg19) VCF-style: chr9-139266451-G-A.
Other names: c.80C>T, p.Pro27Leu (NM_052814.4); short protein forms P27L.
Identifiers: ClinVar variation 2047012 (VCV002047012.4), dbSNP rs2538671919, ClinGen allele CA375546449.
Genomic context (GRCh38, chr9:136,371,999, plus strand): 5'-TGCTCCTCATCATCGGGGTTCAGGACCTTGCACTGCCGCAGGTAAGGTGTGATGCGTGAG[G>A]GGTCGATGACCGAGGTGAGCGTCACCCGGAAGCCCTCCAGGACGCTCCAGCACTCGTCAT-3'
Protein context (NP_434700.2, residues 17-37): FRVTLTSVID[Pro27Leu]SRITPYLRQC